The following is an entry in ClinVar:

NM_000088.4(COL1A1):c.2090G>C (p.Arg697Pro)

Gene: COL1A1 (collagen type I alpha 1 chain; minus strand). Cytogenetic location: 17q21.33.
Variant type: single nucleotide variant.
Coding change: c.2090G>C on transcript NM_000088.4 (MANE Select); coding-DNA position 2090, G replaced by C.
Protein change: p.Arg697Pro; replaces arginine 697 with proline.
Molecular consequence: missense variant.
Genome position (GRCh38, 1-based): chr17:50,191,825, C>G on the plus strand (G>C on the coding strand, the complement: COL1A1 is on the minus strand). VCF-style: chr17-50191825-C-G. GRCh37 (hg19) VCF-style: chr17-48269186-C-G.
Other names: short protein forms R697P.
Identifiers: ClinVar variation 4754889 (VCV004754889.1).
Genomic context (GRCh38, chr17:50,191,825, plus strand): 5'-AGCCCCTTCCACGCTGCCCTCACCTTAGCACCATCGTTGCCGGGAGCACCGTTGGCCCCT[C>G]GGGGACCAGCAGGACCAGGGGGACCTTGCACACCACGCTCGCCAGGGAAACCTCTCTCGC-3'
Protein context (NP_000079.2, residues 687-707): VQGPPGPAGP[Arg697Pro]GANGAPGNDG

ClinVar aggregate classification (germline): Uncertain significance (1 of 4 stars; one submission).

Conditions:
Osteogenesis imperfecta type I (OI1). Also called: Osteogenesis imperfecta type 1; Lobstein's Disease; Lobstein disease; Classic Non-deforming Osteogenesis Imperfecta with Blue Sclerae; OI, TYPE I; OSTEOGENESIS IMPERFECTA TARDA. Identifiers: Orphanet 216796, Orphanet 666, MedGen C0023931, MONDO:0008146, OMIM 166200. Disease mechanism: loss of function.

gnomAD v4.1: 2 of 1,600,310 alleles (0.00012%); highest among the groups gnomAD compares: African/African-American, 0.0013%; no homozygotes.

Submission:

Labcorp Genetics (formerly Invitae), Labcorp
Classification: Uncertain significance for Osteogenesis imperfecta type I. Last evaluated: 2025-04-09. Review status: criteria provided, single submitter. Criteria: Invitae Variant Classification Sherloc (09022015). Collection method: clinical testing. Allele origin: germline.
Comment: This sequence change replaces arginine, which is basic and polar, with proline, which is neutral and non-polar, at codon 697 of the COL1A1 protein (p.Arg697Pro). This variant is not present in population databases (gnomAD no frequency). This variant has not been reported in the literature in individuals affected with COL1A1-related conditions. Invitae Evidence Modeling of protein sequence and biophysical properties (such as structural, functional, and spatial information, amino acid conservation, physicochemical variation, residue mobility, and thermodynamic stability) has been performed for this missense variant. However, the output from this modeling did not meet the statistical confidence thresholds required to predict the impact of this variant on COL1A1 protein function. In summary, the available evidence is currently insufficient to determine the role of this variant in disease. Therefore, it has been classified as a Variant of Uncertain Significance.